The following is an entry in ClinVar:

NM_001375405.1(CEP120):c.1687C>T (p.Arg563Cys)

Gene: CEP120 (centrosomal protein 120; minus strand). Cytogenetic location: 5q23.2.
Variant type: single nucleotide variant.
Coding change: c.1687C>T on transcript NM_001375405.1 (MANE Select); coding-DNA position 1687, C replaced by T.
Protein change: p.Arg563Cys; replaces arginine 563 with cysteine.
Molecular consequence: missense variant. On other transcripts: non-coding transcript variant (1).
Genome position (GRCh38, 1-based): chr5:123,385,027, G>A on the plus strand (C>T on the coding strand, the complement: CEP120 is on the minus strand). VCF-style: chr5-123385027-G-A. GRCh37 (hg19) VCF-style: chr5-122720721-G-A.
Other names: c.1609C>T, p.Arg537Cys (NM_001166226.2); c.1552C>T, p.Arg518Cys (NM_001375406.1); c.1687C>T, p.Arg563Cys (NM_001375407.1, NM_153223.4); c.1114C>T, p.Arg372Cys (NM_001375408.1, NM_001375409.1); short protein forms R372C, R518C, R537C, R563C.
Identifiers: ClinVar variation 4737959 (VCV004737959.1).

ClinVar aggregate classification (germline): Uncertain significance (1 of 4 stars; one submission).

Conditions:
Short-rib thoracic dysplasia 13 with or without polydactyly (SRTD13). Identifiers: Orphanet 474, MedGen C4225378, MONDO:0014577, OMIM 616300.

gnomAD v4.1: 33 of 1,613,564 alleles (0.002%); highest among the groups gnomAD compares: Middle Eastern, 0.017%; no homozygotes.

Submission:

Labcorp Genetics (formerly Invitae), Labcorp
Classification: Uncertain significance for Short-rib thoracic dysplasia 13 with or without polydactyly. Last evaluated: 2025-07-28. Review status: criteria provided, single submitter. Criteria: Invitae Variant Classification Sherloc (09022015). Collection method: clinical testing. Allele origin: germline.
Comment: This sequence change replaces arginine, which is basic and polar, with cysteine, which is neutral and slightly polar, at codon 563 of the CEP120 protein (p.Arg563Cys). This variant is present in population databases (rs756487380, gnomAD 0.007%). This variant has not been reported in the literature in individuals affected with CEP120-related conditions. Invitae Evidence Modeling of protein sequence and biophysical properties (such as structural, functional, and spatial information, amino acid conservation, physicochemical variation, residue mobility, and thermodynamic stability) has been performed for this missense variant. However, the output from this modeling did not meet the statistical confidence thresholds required to predict the impact of this variant on CEP120 protein function. In summary, the available evidence is currently insufficient to determine the role of this variant in disease. Therefore, it has been classified as a Variant of Uncertain Significance.